The following is an entry in ClinVar:

NM_020631.6(PLEKHG5):c.274G>A (p.Val92Ile)

Gene: PLEKHG5 (pleckstrin homology and RhoGEF domain containing G5; minus strand). Cytogenetic location: 1p36.31.
Variant type: single nucleotide variant.
Coding change: c.274G>A on transcript NM_020631.6 (MANE Select); coding-DNA position 274, G replaced by A.
Protein change: p.Val92Ile; replaces valine 92 with isoleucine.
Molecular consequence: missense variant.
Genome position (GRCh38, 1-based): chr1:6,475,075, C>T on the plus strand (G>A on the coding strand, the complement: PLEKHG5 is on the minus strand). VCF-style: chr1-6475075-C-T. GRCh37 (hg19) VCF-style: chr1-6535135-C-T.
Other names: c.385G>A, p.Val129Ile (NM_001042663.3, NM_001265592.2); c.274G>A, p.Val92Ile (NM_001042664.2, NM_001042665.2, NM_001265594.3 and 1 more transcripts); c.481G>A, p.Val161Ile (NM_001265593.2); short protein forms V92I, V161I, V129I.
Identifiers: ClinVar variation 245867 (VCV000245867.13), dbSNP rs371516662, ClinGen allele CA561918.

ClinVar aggregate classification (germline): Uncertain significance. Review status: criteria provided, multiple submitters, no conflicts (2 of 4 stars). 3 submissions from 3 submitters: Uncertain significance (3). Last evaluated 2025-08-12.

Conditions:
Inborn genetic diseases. Identifiers: MedGen C0950123, MeSH D030342.
Neuronopathy, distal hereditary motor, autosomal recessive 4. Also called: NEUROPATHY, DISTAL HEREDITARY MOTOR, AUTOSOMAL RECESSIVE 4; Autosomal recessive lower motor neuron disease with childhood onset. Identifiers: Orphanet 206580, MedGen C1970211, MONDO:0012608, OMIM 611067.
Charcot-Marie-Tooth disease recessive intermediate C. Also called: CHARCOT-MARIE-TOOTH NEUROPATHY, RECESSIVE INTERMEDIATE C. Identifiers: Orphanet 369867, MedGen C3809309, MONDO:0014154, OMIM 615376.

Allele frequency attached by ClinVar (database versions not stated): ExAC 0.00005; TOPMed 0.00005; gnomAD 0.00006; ESP Exome Variant Server 0.00015.
gnomAD v4.1: 133 of 1,610,352 alleles (0.0083%); highest among the groups gnomAD compares: Middle Eastern, 0.049%; no homozygotes.

Submissions (3):

Ambry Genetics
Classification: Uncertain significance for Inborn genetic diseases. Last evaluated: 2025-08-12. Review status: criteria provided, single submitter. Criteria: Ambry Variant Classification Scheme 2023. Collection method: clinical testing. Allele origin: germline.

Labcorp Genetics (formerly Invitae), Labcorp
Classification: Uncertain significance for Neuronopathy, distal hereditary motor, autosomal recessive 4; Charcot-Marie-Tooth disease recessive intermediate C. Last evaluated: 2022-10-21. Review status: criteria provided, single submitter. Criteria: Invitae Variant Classification Sherloc (09022015). Collection method: clinical testing. Allele origin: germline.
Comment: This sequence change replaces valine, which is neutral and non-polar, with isoleucine, which is neutral and non-polar, at codon 92 of the PLEKHG5 protein (p.Val92Ile). This variant is present in population databases (rs371516662, gnomAD 0.008%). This variant has not been reported in the literature in individuals affected with PLEKHG5-related conditions. ClinVar contains an entry for this variant (Variation ID: 245867). Algorithms developed to predict the effect of missense changes on protein structure and function are either unavailable or do not agree on the potential impact of this missense change (SIFT: "Deleterious"; PolyPhen-2: "Benign"; Align-GVGD: "Class C0"). In summary, the available evidence is currently insufficient to determine the role of this variant in disease. Therefore, it has been classified as a Variant of Uncertain Significance.

GeneDx
Classification: Uncertain significance. Last evaluated: 2015-07-23. Review status: criteria provided, single submitter. Criteria: GeneDx Variant Classification (06012015). Collection method: clinical testing. Allele origin: germline. Affected: yes.
Comment: The V92I variant has not been published as pathogenic, nor has it been reported as a benign polymorphism to our knowledge. The V92I variant was not observed with any significant frequency in approximately 6,500 individuals of European and African American ancestry in the NHLBI Exome Sequencing Project. The V92I variant is a conservative amino acid substitution, which is not likely to impact secondary protein structure as these residues share similar properties. However, this substitution occurs at a position that is conserved across species. In silico analysis is inconsistent in its predictions as to whether or not the variant is damaging to the protein structure/function. Therefore, based on the currently available information, it is unclear whether this variant is a pathogenic or a rare benign variant.